The following is an entry in ClinVar:

NM_000059.4(BRCA2):c.631+2T>G

Gene: BRCA2 (BRCA2 DNA repair associated; plus strand). Cytogenetic location: 13q13.1.
Variant type: single nucleotide variant.
Coding change: c.631+2T>G on transcript NM_000059.4 (MANE Select); the canonical splice donor site of the intron after coding-DNA position 631, T replaced by G.
Molecular consequence: splice donor variant.
Genome position (GRCh38, 1-based): chr13:32,326,615, T>G. VCF-style: chr13-32326615-T-G. GRCh37 (hg19) VCF-style: chr13-32900752-T-G.
Other names: IVS7DS, T-G, +2; IVS7+2T>G; c.631+2T>G (NM_001406720.1, NM_001406719.1, NM_001406721.1); c.262+2T>G (NM_001406722.1).
Identifiers: ClinVar variation 9349 (VCV000009349.57), dbSNP rs81002899, ClinGen allele CA023852.

ClinVar aggregate classification (germline): Pathogenic. Review status: reviewed by expert panel (3 of 4 stars). 28 submissions from 27 submitters: Pathogenic (1). 27 of the submissions do not count toward it. Last evaluated 2019-06-18.

Conditions:
BRCA2-related cancer predisposition. Identifiers: MedGen CN377758, MONDO:0700269.
Familial prostate cancer. Also called: Hereditary Prostate Cancer. Identifiers: MedGen C2931456, MONDO:0700275, OMIM 176807.
Pancreatic cancer, susceptibility to, 2. Identifiers: Orphanet 1333, MedGen C3150546, MONDO:0013235, OMIM 613347.
Fanconi anemia complementation group D1. Also called: BRCA2-Related Fanconi Anemia. Identifiers: Orphanet 319462, MedGen C1838457, MONDO:0011584, OMIM 605724.
Breast-ovarian cancer, familial, susceptibility to, 2 (BROVCA2). Also called: BRCA2 Hereditary Breast and Ovarian Cancer. Identifiers: Orphanet 145, MedGen C2675520, MONDO:0012933, OMIM 612555. Disease mechanism: loss of function.
Familial cancer of breast. Also called: Hereditary breast cancer; hereditary breast carcinoma; BREAST CANCER, FAMILIAL. Identifiers: Orphanet 227535, MedGen C0346153, MONDO:0016419, OMIM 114480. Disease mechanism: loss of function.
Breast and/or ovarian cancer. Identifiers: MedGen CN221562.
Hereditary cancer-predisposing syndrome. Also called: Tumor predisposition; Neoplastic Syndromes, Hereditary; Hereditary neoplastic syndrome; Hereditary Cancer Syndrome. Identifiers: Orphanet 140162, MedGen C0027672, MeSH D009386, MONDO:0015356.
Fanconi anemia (FA). Also called: Fanconi's anemia. Identifiers: Orphanet 84, MedGen C0015625, MeSH D005199, MONDO:0019391.
Hereditary breast ovarian cancer syndrome. Also called: Hereditary breast and ovarian cancer; Hereditary breast and ovarian cancer syndrome (HBOC); Hereditary breast and ovarian cancer syndrome; Hereditary breast and/or ovarian cancer syndrome; Breast and ovarian cancer; BRCA1- and BRCA2-Associated Hereditary Breast and Ovarian Cancer. Identifiers: Orphanet 145, MedGen C0677776, MeSH D061325, MONDO:0003582. Disease mechanism: loss of function.
Malignant tumor of breast. Also called: Malignant breast neoplasm; Cancer breast. Identifiers: MedGen C0006142, MONDO:0007254. Disease mechanism: loss of function.

Allele frequency attached by ClinVar (database versions not stated): gnomAD exomes 0.00001; gnomAD 0.00001.
gnomAD v4.1: 8 of 1,572,838 alleles (0.00051%); highest among the groups gnomAD compares: Non-Finnish European, 0.0007%; no homozygotes.

Submissions 1 to 9 of 28:

Evidence-based Network for the Interpretation of Germline Mutant Alleles (ENIGMA)
Classification: Pathogenic for Breast-ovarian cancer, familial, susceptibility to, 2. Last evaluated: 2019-06-18. Review status: reviewed by expert panel. Criteria: ENIGMA BRCA1/2 Classification Criteria (2017-06-29). Collection method: curation. Allele origin: germline.
Comment: IARC class based on posterior probability from multifactorial likelihood analysis, thresholds for class as per Plon et al. 2008 (PMID: 18951446). Class 5 based on posterior probability = 0.998311

GeneDx
Classification: Pathogenic. Last evaluated: 2026-09-18. Review status: criteria provided, single submitter. Criteria: GeneDx Variant Classification Process June 2021. Collection method: clinical testing. Allele origin: germline. Not counted in ClinVar's aggregate classification.
Comment: Observed in the heterozygous state in individuals with a personal or family history consistent with pathogenic variants in this gene (PMID: 12960223, 25682074, 26296701, 28831036); Multifactorial likelihood analysis suggests this variant is pathogenic (PMID: 31131967); Not observed at significant frequency in large population cohorts (gnomAD); Also known as 859+2T>G; This variant is associated with the following publications: (PMID: 20455026, 26659639, 36721989, 15070707, 25525159, 21548014, 16115142, 26834852, 25682074, 26296701, 24259538, 25085752, 28831036, 29753700, 16825431, 15645491, 30787465, 20927582, 33087929, 32719484, 12960223, 36451132, 21719596, 32398771, 26920070, 11185744, 26689913, 31090900, 29625052, 29446198, 33471991, 31131967, 40724944, 39550490, 41172994)

Labcorp Genetics (formerly Invitae), Labcorp
Classification: Pathogenic for Hereditary breast ovarian cancer syndrome. Last evaluated: 2026-01-06. Review status: criteria provided, single submitter. Criteria: Invitae Variant Classification Sherloc (09022015). Collection method: clinical testing. Allele origin: germline. Not counted in ClinVar's aggregate classification.
Comment: This sequence change affects a donor splice site in intron 7 of the BRCA2 gene. RNA analysis indicates that disruption of this splice site induces altered splicing and may result in an absent or altered protein product. This variant is not present in population databases (gnomAD no frequency). Disruption of this splice site has been observed in individual(s) with BRCA2-related conditions (PMID: 11185744, 15070707, 15645491, 16825431, 21719596, 25682074, 26296701). In at least one individual the data is consistent with being in trans (on the opposite chromosome) from a pathogenic variant. This variant is also known as IVS7+2T>G. ClinVar contains an entry for this variant (Variation ID: 9349). Studies have shown that disruption of this splice site results in skipping of exon 7, and produces a non-functional protein and/or introduces a premature termination codon (PMID: 11185744, 21719596; internal data). For these reasons, this variant has been classified as Pathogenic.

Otogenetics
Classification: Pathogenic for Familial cancer of breast; Breast-ovarian cancer, familial, susceptibility to, 2; Fanconi anemia complementation group D1; Pancreatic cancer, susceptibility to, 2; Familial prostate cancer. Last evaluated: 2025-12-12. Review status: criteria provided, single submitter. Criteria: ACMG Guidelines, 2015. Collection method: clinical testing. Allele origin: germline. Not counted in ClinVar's aggregate classification.
Comment: PVS1: Null variant occurring in a canonical splice site (donor site) in gene with loss of function as mechanism of disease, disrupting the reading frame and predicted to undergo NMD; PS3_Supporting: Well-established in vitro and in vivo functional studies supportive of damaging effect on the gene product, with low residual enzymatic activity relative to wild-type reported (PMID: 11185744, 32398771); PM2_Supporting: Variant not observed in gnomAD (<0.05% threshold); PM3_Strong: Variant reported in homozygous state in one affected individual and in trans with 3 pathogenic variants in 4 individuals affected with BRCA2-related Fanconi anemia (PMID: 15070707, 15645491)

Mayo Clinic Laboratories, Mayo Clinic
Classification: Pathogenic. Last evaluated: 2025-10-22. Review status: criteria provided, single submitter. Criteria: ACMG Guidelines, 2015. Collection method: clinical testing. Allele origin: germline. Observed: 1 variant allele. Not counted in ClinVar's aggregate classification.
Comment: PP4_moderate, PM2_supporting, PM3_strong, PVS1

Ambry Genetics
Classification: Pathogenic for Hereditary cancer-predisposing syndrome. Last evaluated: 2025-09-17. Review status: criteria provided, single submitter. Criteria: Ambry Variant Classification Scheme 2023. Collection method: clinical testing. Allele origin: germline. Not counted in ClinVar's aggregate classification.
Comment: The c.631+2T>G intronic variant results from a T to G substitution two nucleotides after coding exon 6 of the BRCA2 gene. Alterations that disrupt the canonical splice site are expected to cause aberrant splicing, resulting in an abnormal protein or a transcript that is subject to nonsense-mediated mRNA decay. As such, this alteration is classified as a disease-causing mutation. However, because this variant is identified in one or more patients with Fanconi Anemia it may be hypomorphic and thus, carriers of this variant and their families may present with reduced risks, and not with the typical clinical characteristics of a high-risk pathogenic BRCA2 alteration. As risk estimates are unknown at this time, clinical correlation is advised. This variant was not reported in population-based cohorts in the Genome Aggregation Database (gnomAD). This mutation has been reported in multiple families with hereditary breast and ovarian cancer (HBOC) syndrome (Pyne, 2000; Wong-Brown, 2015). It has also been reported in the homozygous state and in the compound heterozygous state with other deleterious BRCA2 mutations in individuals who were either clinically diagnosed with or had symptoms of Fanconi anemia (Wagner, 2004; Alter, 2007; Myers, 2012). This alteration results in substantial aberrant splicing in the set of samples tested (Ambry internal data). However, this alteration was able to fully complement the growth defect in Brca2-null mouse embryonic stem cells and surviving cells harboring this alteration retained substantial amounts of homology-directed DNA repair function (Mesman, 2020). This nucleotide position is highly conserved in available vertebrate species. Based on the available evidence, this alteration is classified as pathogenic.

St. Jude Molecular Pathology, St. Jude Children's Research Hospital
Classification: Pathogenic for Breast-ovarian cancer, familial, susceptibility to, 2. Last evaluated: 2025-06-17. Review status: criteria provided, single submitter. Criteria: St. Jude Assertion Criteria 2020. Collection method: clinical testing. Allele origin: germline. Not counted in ClinVar's aggregate classification.
Comment: The BRCA2 c.631+2T>G intronic change results in a T to G substitution at the +2 position of intron 7 of the BRCA2 gene. This variant is predicted to result in loss of the native splice donor site and abnormal gene splicing, resulting in nonsense-mediated decay or an abnormal protein product. RNA studies support that this variant result in aberrant splicing (PMID: 11185744, 21719596). This variant has been reported in the homozygous and compound heterozygous state in individuals with Fanconi anemia (PMID: 15070707, 21719596). In summary, this variant meets criteria to be classified as pathogenic.

Greenwood Genetic Center Diagnostic Laboratories, Greenwood Genetic Center
Classification: Pathogenic for Breast-ovarian cancer, familial, susceptibility to, 2. Last evaluated: 2025-05-07. Review status: criteria provided, single submitter. Criteria: ACMG Guidelines, 2015. Collection method: clinical testing. Allele origin: germline. Not counted in ClinVar's aggregate classification.
Comment: PVS1, PM2, PM3

Revvity Omics, Revvity
Classification: Pathogenic. Last evaluated: 2025-02-26. Review status: criteria provided, single submitter. Criteria: ACMG Guidelines, 2015. Collection method: clinical testing. Allele origin: germline. Not counted in ClinVar's aggregate classification.